The following is an entry in ClinVar:

NM_152263.4(TPM3):c.709G>A (p.Glu237Lys)

Gene: TPM3 (tropomyosin 3; minus strand). Cytogenetic location: 1q21.3.
Variant type: single nucleotide variant.
Coding change: c.709G>A on transcript NM_152263.4 (MANE Select); coding-DNA position 709, G replaced by A.
Protein change: p.Glu237Lys; replaces glutamic acid 237 with lysine.
Molecular consequence: missense variant.
Genome position (GRCh38, 1-based): chr1:154,170,466, C>T on the plus strand (G>A on the coding strand, the complement: TPM3 is on the minus strand). VCF-style: chr1-154170466-C-T. GRCh37 (hg19) VCF-style: chr1-154142942-C-T.
Other names: c.598G>A, p.Glu200Lys (NM_001043351.2, NM_001043352.2, NM_001043353.2 and 4 more transcripts); c.400G>A, p.Glu134Lys (NM_001278188.2); c.535G>A, p.Glu179Lys (NM_001278190.2); c.328G>A, p.Glu110Lys (NM_001278191.2); c.709G>A, p.Glu237Lys (NM_001364679.2, NM_001364680.2, NM_001364681.2 and 1 more transcripts); short protein forms E110K, E134K, E179K, E200K, E237K.
Identifiers: ClinVar variation 1014108 (VCV001014108.11), dbSNP rs1661445206, ClinGen allele CA342582959.

ClinVar aggregate classification (germline): Uncertain significance. Review status: criteria provided, single submitter (1 of 4 stars). 2 submissions from 2 submitters: Uncertain significance (1). 1 of the submissions does not count toward it. Last evaluated 2022-11-15.

Conditions:
Congenital myopathy with fiber type disproportion. Also called: Congenital fiber-type disproportion myopathy; Congenital fiber-type disproportion. Identifiers: Orphanet 2020, MedGen C0546264, MONDO:0009711. Inheritance: all.
Congenital myopathy 4B, autosomal recessive. Also called: Nemaline myopathy 1, autosomal dominant or recessive. Identifiers: Orphanet 171433, Orphanet 171439, Orphanet 171881, MedGen C5829889, MONDO:0012239, OMIM 609284.
Congenital myopathy 4A, autosomal dominant (CMYO4A). Identifiers: MedGen CN178536, MONDO:0800341, OMIM 255310.

Submissions (2):

Labcorp Genetics (formerly Invitae), Labcorp
Classification: Uncertain significance for Congenital myopathy with fiber type disproportion; Congenital myopathy 4B, autosomal recessive. Last evaluated: 2022-11-15. Review status: criteria provided, single submitter. Criteria: Invitae Variant Classification Sherloc (09022015). Collection method: clinical testing. Allele origin: germline.
Comment: Algorithms developed to predict the effect of sequence changes on RNA splicing suggest that this variant may disrupt the consensus splice site. Advanced modeling of protein sequence and biophysical properties (such as structural, functional, and spatial information, amino acid conservation, physicochemical variation, residue mobility, and thermodynamic stability) performed at Invitae indicates that this missense variant is expected to disrupt TPM3 protein function. ClinVar contains an entry for this variant (Variation ID: 1014108). This missense change has been observed in individual(s) with congenital myopathy (PMID: 35741838). This variant is not present in population databases (gnomAD no frequency). This sequence change replaces glutamic acid, which is acidic and polar, with lysine, which is basic and polar, at codon 237 of the TPM3 protein (p.Glu237Lys). In summary, the available evidence is currently insufficient to determine the role of this variant in disease. Therefore, it has been classified as a Variant of Uncertain Significance.

OMIM
Classification: Pathogenic for CONGENITAL MYOPATHY 4A, AUTOSOMAL DOMINANT. Last evaluated: 2024-07-16. Review status: no assertion criteria provided. Collection method: literature only. Allele origin: germline. Not counted in ClinVar's aggregate classification.

Literature cited by the submitters: PubMed 35741838 (cited by Labcorp Genetics (formerly Invitae), Labcorp); PubMed 35688744 (cited by OMIM).